The following is an entry in ClinVar:

NM_000091.5(COL4A3):c.87+3G>A

Genes: COL4A3 (collagen type IV alpha 3 chain; plus strand), LOC129935730 (ATAC-STARR-seq lymphoblastoid silent region 12397; plus strand). Cytogenetic location: 2q36.3.
Variant type: single nucleotide variant.
Coding change: c.87+3G>A on transcript NM_000091.5 (MANE Select); 3 bases into the intron after coding-DNA position 87, G replaced by A.
Molecular consequence: intron variant.
Genome position (GRCh38, 1-based): chr2:227,164,816, G>A. VCF-style: chr2-227164816-G-A. GRCh37 (hg19) VCF-style: chr2-228029532-G-A.
Identifiers: ClinVar variation 1383082 (VCV001383082.4), dbSNP rs1003166710, ClinGen allele CA66565562.

ClinVar aggregate classification (germline): Uncertain significance (1 of 4 stars; one submission).

Allele frequency attached by ClinVar (database versions not stated): gnomAD exomes below 0.00001; gnomAD 0.00001; TOPMed 0.00001.
gnomAD v4.1: 4 of 1,512,738 alleles (0.00026%); highest among the groups gnomAD compares: African/African-American, 0.0014%; no homozygotes.

Submission:

Labcorp Genetics (formerly Invitae), Labcorp
Classification: Uncertain significance. Last evaluated: 2023-11-27. Review status: criteria provided, single submitter. Criteria: Invitae Variant Classification Sherloc (09022015). Collection method: clinical testing. Allele origin: germline.
Comment: This sequence change falls in intron 1 of the COL4A3 gene. It does not directly change the encoded amino acid sequence of the COL4A3 protein. It affects a nucleotide within the consensus splice site. This variant is not present in population databases (gnomAD no frequency). This variant has not been reported in the literature in individuals affected with COL4A3-related conditions. ClinVar contains an entry for this variant (Variation ID: 1383082). Variants that disrupt the consensus splice site are a relatively common cause of aberrant splicing (PMID: 17576681, 9536098). Algorithms developed to predict the effect of sequence changes on RNA splicing suggest that this variant is not likely to affect RNA splicing. In summary, the available evidence is currently insufficient to determine the role of this variant in disease. Therefore, it has been classified as a Variant of Uncertain Significance.

Literature cited by the submitters: PubMed 17576681; PubMed 9536098.